The following is an entry in ClinVar:

ClinVar aggregate classification (germline): Conflicting classifications of pathogenicity. Review status: criteria provided, conflicting classifications (1 of 4 stars). 11 submissions from 11 submitters: Uncertain significance (7); Benign (1); Likely benign (1). 2 of the submissions do not count toward it. Last evaluated 2025-12-02.

Conditions:
STK11-related disorder. Also called: STK11-related condition.
Hereditary cancer-predisposing syndrome. Also called: Neoplastic Syndromes, Hereditary; Hereditary Cancer Syndrome; Hereditary neoplastic syndrome; Tumor predisposition. Identifiers: Orphanet 140162, MedGen C0027672, MeSH D009386, MONDO:0015356.
Peutz-Jeghers syndrome (PJS). Also called: Peutz-Jeghers polyposis; Periorificial lentiginosis syndrome; POLYPOSIS, HAMARTOMATOUS INTESTINAL; POLYPS-AND-SPOTS SYNDROME. Identifiers: Orphanet 2869, MedGen C0031269, MeSH D010580, MONDO:0008280, OMIM 175200.

Allele frequency attached by ClinVar (database versions not stated): gnomAD 0.00001; gnomAD exomes 0.00001; TOPMed 0.00002; ExAC 0.00004.
gnomAD v4.1: 18 of 1,475,984 alleles (0.0012%); highest among the groups gnomAD compares: Non-Finnish European, 0.0015%; no homozygotes.

Submissions (11):

Labcorp Genetics (formerly Invitae), Labcorp
Classification: Benign for Peutz-Jeghers syndrome. Last evaluated: 2025-12-02. Review status: criteria provided, single submitter. Criteria: Invitae Variant Classification Sherloc (09022015). Collection method: clinical testing. Allele origin: germline.

Color Diagnostics, LLC DBA Color Health
Classification: Uncertain significance for Hereditary cancer-predisposing syndrome. Last evaluated: 2025-11-03. Review status: criteria provided, single submitter. Criteria: ACMG Guidelines, 2015. Collection method: clinical testing. Allele origin: germline.
Comment: This missense variant replaces valine with alanine at codon 150 of the STK11 protein. Computational prediction suggests that this variant may not impact protein structure and function. To our knowledge, functional studies have not been reported for this variant. This variant has not been reported in individuals affected with hereditary cancer in the literature. This variant has been identified in 3/212626 chromosomes in the general population by the Genome Aggregation Database (gnomAD). The available evidence is insufficient to determine the role of this variant in disease conclusively. Therefore, this variant is classified as a Variant of Uncertain Significance.

All of Us Research Program, National Institutes of Health
Classification: Uncertain significance for Peutz-Jeghers syndrome. Last evaluated: 2024-08-06. Review status: criteria provided, single submitter. Criteria: ACMG Guidelines, 2015. Collection method: clinical testing. Allele origin: germline. Inheritance: Autosomal dominant inheritance. Observed: 8 variant alleles, 8 heterozygotes.
Comment: This missense variant replaces valine with alanine at codon 150 of the STK11 protein. Computational prediction suggests that this variant may not impact protein structure and function (internally defined REVEL score threshold <= 0.5, PMID: 27666373). To our knowledge, functional studies have not been reported for this variant. This variant has not been reported in individuals affected with hereditary cancer in the literature. This variant has been identified in 3/212626 chromosomes in the general population by the Genome Aggregation Database (gnomAD). The available evidence is insufficient to determine the role of this variant in disease conclusively. Therefore, this variant is classified as a Variant of Uncertain Significance.

This study involves interpretation of variants in research participants for the purpose of population health screening. Participant phenotype was not available at the time of variant classification. Additional details can be found in publication PMID: 35346344, PMCID: PMC8962531

GeneDx
Classification: Uncertain significance. Last evaluated: 2024-06-03. Review status: criteria provided, single submitter. Criteria: GeneDx Variant Classification Process June 2021. Collection method: clinical testing. Allele origin: germline. Affected: yes.
Comment: Not observed at significant frequency in large population cohorts (gnomAD); In silico analysis indicates that this missense variant does not alter protein structure/function; Has not been previously published as pathogenic or benign to our knowledge; This variant is associated with the following publications: (PMID: 15863673)

Women's Health and Genetics/Laboratory Corporation of America, LabCorp
Classification: Uncertain significance. Last evaluated: 2023-12-31. Review status: criteria provided, single submitter. Criteria: LabCorp Variant Classification Summary - May 2015. Collection method: clinical testing. Allele origin: germline.

Myriad Genetics, Inc.
Classification: Uncertain significance for Peutz-Jeghers syndrome. Last evaluated: 2023-04-14. Review status: criteria provided, single submitter. Criteria: Myriad Autosomal Dominant, Autosomal Recessive and X-Linked Classification Criteria (2023). Collection method: clinical testing. Allele origin: unknown.
Comment: This variant is classified as a variant of uncertain significance as there is insufficient evidence to determine its impact on protein function and/or cancer risk.

PreventionGenetics, part of Exact Sciences
Classification: Uncertain significance for STK11-related condition. Last evaluated: 2023-02-21. Review status: criteria provided, single submitter. Criteria: ACMG Guidelines, 2015. Collection method: clinical testing. Allele origin: germline.
Comment: The STK11 c.449T>C variant is predicted to result in the amino acid substitution p.Val150Ala. To our knowledge, this variant has not been reported in the literature. This variant is reported in 0.0032% of alleles in individuals of European (Non-Finnish) descent in gnomAD and is interpreted as uncertain significance in ClinVar. At this time, the clinical significance of this variant is uncertain due to the absence of conclusive functional and genetic evidence.

Ambry Genetics
Classification: Likely benign for Hereditary cancer-predisposing syndrome. Last evaluated: 2022-12-27. Review status: criteria provided, single submitter. Criteria: Ambry Variant Classification Scheme 2023. Collection method: clinical testing. Allele origin: germline.

Genome-Nilou Lab
Classification: Uncertain significance for Peutz-Jeghers syndrome. Last evaluated: 2021-07-15. Review status: criteria provided, single submitter. Criteria: ACMG Guidelines, 2015. Collection method: clinical testing. Allele origin: germline. Affected: no.

Counsyl
Classification: Uncertain significance for Peutz-Jeghers syndrome. Last evaluated: 2016-11-11. Review status: no assertion criteria provided. Collection method: clinical testing. Allele origin: unknown. Not counted in ClinVar's aggregate classification.

Mayo Clinic Laboratories, Mayo Clinic
Classification: Uncertain significance. Review status: no assertion criteria provided. Collection method: clinical testing. Allele origin: unknown. Not counted in ClinVar's aggregate classification.

NM_000455.5(STK11):c.449T>C (p.Val150Ala)

Gene: STK11 (serine/threonine kinase 11; plus strand). Cytogenetic location: 19p13.3.
Variant type: single nucleotide variant.
Coding change: c.449T>C on transcript NM_000455.5 (MANE Select); coding-DNA position 449, T replaced by C.
Protein change: p.Val150Ala; replaces valine 150 with alanine.
Molecular consequence: missense variant.
Genome position (GRCh38, 1-based): chr19:1,219,398, T>C. VCF-style: chr19-1219398-T-C. GRCh37 (hg19) VCF-style: chr19-1219397-T-C.
Other names: short protein forms V150A.
Identifiers: ClinVar variation 141508 (VCV000141508.39), dbSNP rs587781802, ClinGen allele CA022959.